The following is an entry in ClinVar:

ClinVar aggregate classification (germline): Uncertain significance (1 of 4 stars; one submission).

Conditions:
FOXA2-related disorder. Also called: FOXA2-related condition.

Submission:

PreventionGenetics, part of Exact Sciences
Classification: Uncertain significance for FOXA2-related condition. Last evaluated: 2023-07-05. Review status: criteria provided, single submitter. Criteria: ACMG Guidelines, 2015. Collection method: clinical testing. Allele origin: germline.
Comment: The FOXA2 c.121C>G variant is predicted to result in the amino acid substitution p.Leu41Val. To our knowledge, this variant has not been reported in the literature or in a large population database, indicating this variant is rare. At this time, the clinical significance of this variant is uncertain due to the absence of conclusive functional and genetic evidence.

NM_021784.5(FOXA2):c.121C>G (p.Leu41Val)

Gene: FOXA2 (forkhead box A2; minus strand). Cytogenetic location: 20p11.21.
Variant type: single nucleotide variant.
Coding change: c.121C>G on transcript NM_021784.5 (MANE Select); coding-DNA position 121, C replaced by G.
Protein change: p.Leu41Val; replaces leucine 41 with valine.
Molecular consequence: missense variant.
Genome position (GRCh38, 1-based): chr20:22,583,121, G>C on the plus strand (C>G on the coding strand, the complement: FOXA2 is on the minus strand). VCF-style: chr20-22583121-G-C. GRCh37 (hg19) VCF-style: chr20-22563759-G-C.
Other names: c.103C>G, p.Leu35Val (NM_153675.3); short protein forms L35V, L41V.
Identifiers: ClinVar variation 2632396 (VCV002632396.1), dbSNP rs2514814471, ClinGen allele CA408503176.